The following is an entry in ClinVar:

ClinVar aggregate classification (germline): Uncertain significance. Review status: criteria provided, multiple submitters, no conflicts (2 of 4 stars). 2 submissions from 2 submitters: Uncertain significance (2). Last evaluated 2026-07-30.

Conditions:
Inborn genetic diseases. Identifiers: MedGen C0950123, MeSH D030342.
PKD1-related disorder. Also called: PKD1-related condition.

gnomAD v4.1: 1 of 1,586,600 alleles (0.000063%); highest among the groups gnomAD compares: Non-Finnish European, 0.000085%; no homozygotes.

Submissions (2):

PreventionGenetics, part of Exact Sciences
Classification: Uncertain significance for PKD1-related condition. Last evaluated: 2026-07-30. Review status: criteria provided, single submitter. Criteria: ACMG Guidelines, 2015. Collection method: clinical testing. Allele origin: germline.
Comment: The PKD1 c.7955C>T variant is predicted to result in the amino acid substitution p.Ser2652Phe. To our knowledge, this variant has not been reported in the literature or in a large population database (gnomAD), indicating this variant is rare. At this time, the clinical significance of this variant is uncertain due to the absence of conclusive functional and genetic evidence.

Ambry Genetics
Classification: Uncertain significance for Inborn genetic diseases. Last evaluated: 2024-12-14. Review status: criteria provided, single submitter. Criteria: Ambry Variant Classification Scheme 2023. Collection method: clinical testing. Allele origin: germline.

NM_001009944.3(PKD1):c.7955C>T (p.Ser2652Phe)

Gene: PKD1 (polycystin 1, transient receptor potential channel interacting; minus strand). Cytogenetic location: 16p13.3.
Variant type: single nucleotide variant.
Coding change: c.7955C>T on transcript NM_001009944.3 (MANE Select); coding-DNA position 7955, C replaced by T.
Protein change: p.Ser2652Phe; replaces serine 2652 with phenylalanine.
Molecular consequence: missense variant.
Genome position (GRCh38, 1-based): chr16:2,105,383, G>A on the plus strand (C>T on the coding strand, the complement: PKD1 is on the minus strand). VCF-style: chr16-2105383-G-A. GRCh37 (hg19) VCF-style: chr16-2155384-G-A.
Other names: c.7955C>T, p.Ser2652Phe (NM_000296.4); short protein forms S2652F.
Identifiers: ClinVar variation 3889280 (VCV003889280.2).